The following is an entry in ClinVar:

ClinVar aggregate classification (germline): Uncertain significance. Review status: criteria provided, multiple submitters, no conflicts (2 of 4 stars). 3 submissions from 3 submitters: Uncertain significance (3). Last evaluated 2023-09-28.

Conditions:
Asphyxiating thoracic dystrophy 5 (SRTD5). Also called: SHORT-RIB THORACIC DYSPLASIA 5 WITH OR WITHOUT POLYDACTYLY; SHORT-RIB THORACIC DYSPLASIA 5 WITHOUT POLYDACTYLY. Identifiers: Orphanet 474, MedGen C3280598, MONDO:0013717, OMIM 614376.
Senior-Loken syndrome 8 (SLSN8). Identifiers: Orphanet 3156, MedGen C4225376, MONDO:0014579, OMIM 616307.

Allele frequency attached by ClinVar (database versions not stated): TOPMed below 0.00001.

Submissions (3):

ARUP Laboratories, Molecular Genetics and Genomics, ARUP Laboratories
Classification: Uncertain significance. Last evaluated: 2023-09-28. Review status: criteria provided, single submitter. Criteria: ARUP Molecular Germline Variant Investigation Process 2024. Collection method: clinical testing. Allele origin: germline.
Comment: The WDR19 c.2213A>T; p.Asp738Val variant (rs1307951215), to our knowledge, is not reported in the medical literature but is reported in ClinVar (Variation ID: 936340). This variant is also absent from the Genome Aggregation Database, indicating it is not a common polymorphism. Computational analyses predict that this variant is deleterious (REVEL: 0.891). Due to limited information, the clinical significance of this variant is uncertain at this time.

Labcorp Genetics (formerly Invitae), Labcorp
Classification: Uncertain significance for Senior-Loken syndrome 8; Asphyxiating thoracic dystrophy 5. Last evaluated: 2022-08-22. Review status: criteria provided, single submitter. Criteria: Invitae Variant Classification Sherloc (09022015). Collection method: clinical testing. Allele origin: germline.
Comment: Algorithms developed to predict the effect of sequence changes on RNA splicing suggest that this variant may create or strengthen a splice site. Algorithms developed to predict the effect of missense changes on protein structure and function are either unavailable or do not agree on the potential impact of this missense change (SIFT: "Deleterious"; PolyPhen-2: "Benign"; Align-GVGD: "Class C25"). ClinVar contains an entry for this variant (Variation ID: 936340). This variant has not been reported in the literature in individuals affected with WDR19-related conditions. This variant is not present in population databases (gnomAD no frequency). This sequence change replaces aspartic acid, which is acidic and polar, with valine, which is neutral and non-polar, at codon 738 of the WDR19 protein (p.Asp738Val). In summary, the available evidence is currently insufficient to determine the role of this variant in disease. Therefore, it has been classified as a Variant of Uncertain Significance.

Blueprint Genetics
Classification: Uncertain significance. Last evaluated: 2022-08-03. Review status: criteria provided, single submitter. Criteria: ACMG Guidelines, 2015. Collection method: clinical testing. Allele origin: germline.

NM_025132.4(WDR19):c.2213A>T (p.Asp738Val)

Gene: WDR19 (WD repeat domain 19; plus strand). Cytogenetic location: 4p14.
Variant type: single nucleotide variant.
Coding change: c.2213A>T on transcript NM_025132.4 (MANE Select); coding-DNA position 2213, A replaced by T.
Protein change: p.Asp738Val; replaces aspartic acid 738 with valine.
Molecular consequence: missense variant.
Genome position (GRCh38, 1-based): chr4:39,232,232, A>T. VCF-style: chr4-39232232-A-T. GRCh37 (hg19) VCF-style: chr4-39233852-A-T.
Other names: c.1733A>T, p.Asp578Val (NM_001317924.2); short protein forms D738V, D578V.
Identifiers: ClinVar variation 936340 (VCV000936340.11), dbSNP rs1307951215, ClinGen allele CA356634970.